The following is an entry in ClinVar:

ClinVar aggregate classification (germline): Uncertain significance (1 of 4 stars; one submission).

Submission:

Labcorp Genetics (formerly Invitae), Labcorp
Classification: Uncertain significance. Last evaluated: 2025-11-21. Review status: criteria provided, single submitter. Criteria: Invitae Variant Classification Sherloc (09022015). Collection method: clinical testing. Allele origin: germline.
Comment: This sequence change replaces alanine, which is neutral and non-polar, with threonine, which is neutral and polar, at codon 91 of the KCNJ13 protein (p.Ala91Thr). This variant is not present in population databases (gnomAD no frequency). This variant has not been reported in the literature in individuals affected with KCNJ13-related conditions. An algorithm developed to predict the effect of missense changes on protein structure and function outputs the following: PolyPhen-2: "Benign". The threonine amino acid residue is found in multiple mammalian species, which suggests that this missense change does not adversely affect protein function. In summary, the available evidence is currently insufficient to determine the role of this variant in disease. Therefore, it has been classified as a Variant of Uncertain Significance.

NM_002242.4(KCNJ13):c.271G>A (p.Ala91Thr)

Genes: GIGYF2 (GRB10 interacting GYF protein 2; plus strand), KCNJ13 (potassium inwardly rectifying channel subfamily J member 13; minus strand). Cytogenetic location: 2q37.1.
Variant type: single nucleotide variant.
Coding change: c.271G>A on transcript NM_002242.4 (MANE Select); coding-DNA position 271, G replaced by A.
Protein change: p.Ala91Thr; replaces alanine 91 with threonine.
Molecular consequence: missense variant. On other transcripts: intron variant (5).
Genome position (GRCh38, 1-based): chr2:232,771,092, C>T on the plus strand (G>A on the coding strand, the complement: KCNJ13 is on the minus strand). VCF-style: chr2-232771092-C-T. GRCh37 (hg19) VCF-style: chr2-233635802-C-T.
Other names: c.31G>A, p.Ala11Thr (NM_001172417.1); c.532+9656C>T (NM_001103146.3, NM_015575.4, NM_001103148.2); c.533-5320C>T (NM_001103147.2); c.224+47G>A (NM_001172416.1); short protein forms A11T, A91T.
Identifiers: ClinVar variation 4807350 (VCV004807350.1).